The following is an entry in ClinVar:

ClinVar aggregate classification (germline): Conflicting classifications of pathogenicity. Review status: criteria provided, conflicting classifications (1 of 4 stars). 12 submissions from 11 submitters: Uncertain significance (10); Likely benign (1). 1 of the submissions does not count toward it. Last evaluated 2026-03-06.

Conditions:
CDH23-related disorder. Also called: CDH23-related condition; CDH23-related disorders.
Autosomal recessive nonsyndromic hearing loss 12. Also called: DEAFNESS, AUTOSOMAL RECESSIVE 12. Identifiers: Orphanet 90636, MedGen C1832394, MONDO:0011067, OMIM 601386.
Usher syndrome type 1D (USH1D). Also called: USHER SYNDROME, TYPE ID. Identifiers: Orphanet 231169, Orphanet 886, MedGen C1832845, MONDO:0010984, OMIM 601067.
Pituitary adenoma 5, multiple types. Identifiers: MedGen C4539685, MONDO:0054601, OMIM 617540.
Inborn genetic diseases. Identifiers: MedGen C0950123, MeSH D030342.
Usher syndrome type 1 (USH1). Also called: RETINITIS PIGMENTOSA AND CONGENITAL DEAFNESS. Identifiers: Orphanet 231169, Orphanet 886, MedGen C1568247, MONDO:0010168, OMIM 276900.

Allele frequency attached by ClinVar (database versions not stated): ESP Exome Variant Server 0.00016; 1000 Genomes Project 0.00020; gnomAD 0.00023 and 0.00027; TOPMed 0.00025; gnomAD exomes 0.00028; ExAC 0.00029; 1000 Genomes Project 30x 0.00031.
gnomAD v4.1: 363 of 1,613,134 alleles (0.023%); highest among the groups gnomAD compares: Middle Eastern, 0.099%; no homozygotes.

Submissions (12):

PreventionGenetics, part of Exact Sciences
Classification: Uncertain significance for CDH23-related condition. Last evaluated: 2026-03-06. Review status: criteria provided, single submitter. Criteria: ACMG Guidelines, 2015. Collection method: clinical testing. Allele origin: germline.
Comment: The CDH23 c.9524G>A variant is predicted to result in the amino acid substitution p.Arg3175His. This variant was reported in an individual with Usher syndrome, although information on a second potentially causative variant was not reported (Astuto et al. 2002. PubMed ID: 12075507). This variant is reported in 0.056% of alleles in individuals of South Asian descent in gnomAD. At this time, the clinical significance of this variant is uncertain due to the absence of conclusive functional and genetic evidence.

Labcorp Genetics (formerly Invitae), Labcorp
Classification: Likely benign. Last evaluated: 2026-01-19. Review status: criteria provided, single submitter. Criteria: Invitae Variant Classification Sherloc (09022015). Collection method: clinical testing. Allele origin: germline.

Blueprint Genetics
Classification: Uncertain significance. Last evaluated: 2024-11-15. Review status: criteria provided, single submitter. Criteria: ACMG Guidelines, 2015. Collection method: clinical testing. Allele origin: germline.

GeneDx
Classification: Uncertain significance. Last evaluated: 2024-11-11. Review status: criteria provided, single submitter. Criteria: GeneDx Variant Classification Process June 2021. Collection method: clinical testing. Allele origin: germline. Affected: yes.
Comment: In silico analysis indicates that this missense variant does not alter protein structure/function; This variant is associated with the following publications: (PMID: 34426522, 27349180, 16281288, 29986705, 18368581, 30245029, 32387678, 22135276, 12075507)

CeGaT Center for Human Genetics Tuebingen
Classification: Uncertain significance. Last evaluated: 2024-06-01. Review status: criteria provided, single submitter. Criteria: CeGaT Center For Human Genetics Tuebingen Variant Classification Criteria Version 2. Collection method: clinical testing. Allele origin: germline. Affected: yes. Observed: 1 variant allele.
Comment: CDH23: PM2, PP3

Women's Health and Genetics/Laboratory Corporation of America, LabCorp
Classification: Uncertain significance. Last evaluated: 2023-07-25. Review status: criteria provided, single submitter. Criteria: LabCorp Variant Classification Summary - May 2015. Collection method: clinical testing. Allele origin: germline.
Comment: Variant summary: CDH23 c.9524G>A (p.Arg3175His) results in a non-conservative amino acid change in the encoded protein sequence. Five of five in-silico tools predict a damaging effect of the variant on protein function. The variant allele was found at a frequency of 0.00028 in 246978 control chromosomes (gnomAD). This frequency is not significantly higher than estimated for a pathogenic variant in CDH23 causing Usher Syndrome (0.00028 vs 0.0032), allowing no conclusion about variant significance. c.9524G>A has been reported in the literature in individuals affected with Usher Syndrome or non-syndromic hearing loss (e.g. Astuto_2002, Usami_2008, Cabanillas_2018). These report(s) do not provide unequivocal conclusions about association of the variant with Usher Syndrome. At least two publications report experimental evidence evaluating an impact on protein function (e.g. Yonezawa_2006, Takahashi_2016), suggesting that the variant does not alter protein localization but may impact microtubule formation. However, these findings do not allow convincing conclusions about the variant effect. The following publications have been ascertained in the context of this evaluation (PMID: 12075507, 29986705, 27349180, 18368581, 16281288). Six submitters have cited clinical-significance assessments for this variant to ClinVar after 2014 and classified the variant as VUS (n=5) and likely benign (n=1). Based on the evidence outlined above, the variant was classified as uncertain significance.

Baylor Genetics
Classification: Uncertain significance for Pituitary adenoma 5, multiple types. Last evaluated: 2022-08-02. Review status: criteria provided, single submitter. Criteria: ACMG Guidelines, 2015. Collection method: clinical testing. Allele origin: unknown.

Fulgent Genetics
Classification: Uncertain significance for Usher syndrome type 1D; Autosomal recessive nonsyndromic hearing loss 12; Pituitary adenoma 5, multiple types. Last evaluated: 2021-12-29. Review status: criteria provided, single submitter. Criteria: ACMG Guidelines, 2015. Collection method: clinical testing. Allele origin: unknown.

Baylor Genetics
Classification: Uncertain significance for Autosomal recessive nonsyndromic hearing loss 12. Last evaluated: 2019-05-03. Review status: criteria provided, single submitter. Criteria: ACMG Guidelines, 2015. Collection method: clinical testing. Allele origin: unknown. Affected: yes.
Comment: This variant was determined to be of uncertain significance according to ACMG Guidelines, 2015 [PMID:25741868].

Ambry Genetics
Classification: Uncertain significance for Inborn genetic diseases. Last evaluated: 2017-10-11. Review status: criteria provided, single submitter. Criteria: Ambry exome assertion method (8-5-2015). Collection method: clinical testing. Allele origin: germline. Affected: yes. Observed: 1 variant allele.

Eurofins Ntd Llc (ga)
Classification: Uncertain significance. Last evaluated: 2016-07-19. Review status: criteria provided, single submitter. Criteria: EGL Classification Definitions 2015. Collection method: clinical testing. Allele origin: germline. Observed: 4 variant alleles, 4 heterozygotes.

Natera, Inc.
Classification: Uncertain significance for Usher syndrome type 1. Last evaluated: 2020-09-16. Review status: no assertion criteria provided. Collection method: clinical testing. Allele origin: germline. Not counted in ClinVar's aggregate classification.

Literature cited by the submitters: PubMed 12075507 (cited by 3 submitters); PubMed 29986705 (cited by Women's Health and Genetics/Laboratory Corporation of America, LabCorp); PubMed 27349180 (cited by Women's Health and Genetics/Laboratory Corporation of America, LabCorp); PubMed 18368581 (cited by Women's Health and Genetics/Laboratory Corporation of America, LabCorp); PubMed 16281288 (cited by Women's Health and Genetics/Laboratory Corporation of America, LabCorp); PubMed 17850630 (cited by Ambry Genetics).

NM_022124.6(CDH23):c.9524G>A (p.Arg3175His)

Gene: CDH23 (cadherin related 23; plus strand). Cytogenetic location: 10q22.1.
Variant type: single nucleotide variant.
Coding change: c.9524G>A on transcript NM_022124.6 (MANE Select); coding-DNA position 9524, G replaced by A.
Protein change: p.Arg3175His; replaces arginine 3175 with histidine.
Molecular consequence: missense variant.
Genome position (GRCh38, 1-based): chr10:71,812,781, G>A. VCF-style: chr10-71812781-G-A. GRCh37 (hg19) VCF-style: chr10-73572538-G-A.
Other names: c.2804G>A, p.Arg935His (NM_001171933.1, NM_001171934.1); c.215G>A, p.Arg72His (NM_001171935.1, NM_001171936.1); short protein forms R3175H, R935H, R72H.
Identifiers: ClinVar variation 198370 (VCV000198370.41), dbSNP rs140884994, ClinGen allele CA246988.
Genomic context (GRCh38, chr10:71,812,781, plus strand): 5'-TGTGTGTGGGGTCTGCCTCTGCTCCAGCTAACATCCCCTCTCCCCAGGGAACTTTTGGGC[G>A]TGAGCCAGCAGCTGTCAAGCCTGATGATGACCGATACCTGCGGGCTGCCATCCAGGAGTA-3'
Protein context (NP_071407.4, residues 3165-3185): SPTRTHGTFG[Arg3175His]EPAAVKPDDD